The following is an entry in ClinVar:

ClinVar aggregate classification (germline): Uncertain significance (1 of 4 stars; one submission).

Submission:

GeneDx
Classification: Uncertain significance. Last evaluated: 2024-10-06. Review status: criteria provided, single submitter. Criteria: GeneDx Variant Classification Process June 2021. Collection method: clinical testing. Allele origin: germline. Affected: yes.
Comment: Not observed at significant frequency in large population cohorts (gnomAD); In silico analysis supports that this missense variant has a deleterious effect on protein structure/function; This substitution is predicted to be within the intracellular loop between the S2 and S3 transmembrane segments of the third homologous domain; Has not been previously published as pathogenic or benign to our knowledge

NM_001040142.2(SCN2A):c.3784G>T (p.Val1262Phe)

Gene: SCN2A (sodium voltage-gated channel alpha subunit 2; plus strand). Cytogenetic location: 2q24.3.
Variant type: single nucleotide variant.
Coding change: c.3784G>T on transcript NM_001040142.2 (MANE Select); coding-DNA position 3784, G replaced by T.
Protein change: p.Val1262Phe; replaces valine 1262 with phenylalanine.
Molecular consequence: missense variant.
Genome position (GRCh38, 1-based): chr2:165,370,234, G>T. VCF-style: chr2-165370234-G-T. GRCh37 (hg19) VCF-style: chr2-166226744-G-T.
Other names: c.3784G>T, p.Val1262Phe (NM_001040143.2, NM_001371246.1, NM_001371247.1 and 1 more transcripts); short protein forms V1262F.
Identifiers: ClinVar variation 3776632 (VCV003776632.1).